The following is an entry in ClinVar:

ClinVar aggregate classification (germline): Benign (1 of 4 stars; one submission).

Submission:

CeGaT Center for Human Genetics Tuebingen
Classification: Benign. Last evaluated: 2022-06-01. Review status: criteria provided, single submitter. Criteria: CeGaT Center For Human Genetics Tuebingen Variant Classification Criteria Version 2. Collection method: clinical testing. Allele origin: germline. Affected: yes. Observed: 2 variant alleles.
Comment: REEP1: BS1, BS2

NM_001371279.1(REEP1):c.*2012_*2015dup

Gene: REEP1 (receptor accessory protein 1; minus strand). Cytogenetic location: 2p11.2.
Variant type: Duplication.
Coding change: c.*2012_*2015dup on transcript NM_001371279.1 (MANE Select); 2012 bases downstream of the stop codon through 2015 bases downstream of the stop codon, 4 bases duplicated (AAAA; older notation c.*2012_*2015dupAAAA).
Molecular consequence: 3 prime UTR variant.
Genome position (GRCh38, 1-based): chr2:86,215,024-86,215,027, TTTT duplicated on the plus strand (AAAA on the coding strand, the reverse complement: REEP1 is on the minus strand); duplicating any 4 consecutive bases within chr2:86,215,024-86,215,046 gives the same sequence; the c. name uses the placement nearest the transcript's 3' end. VCF-style (leftmost placement, unchanged base first): chr2-86215023-C-CTTTT. GRCh37 (hg19) VCF-style: chr2-86442146-C-CTTTT.
Other names: c.*2073_*2076dup (NM_001164730.2, NM_001164731.2, NM_001410856.1 and 1 more transcripts); c.*2012_*2015dup (NM_001164732.2, NM_001371280.1, NM_001410855.1).
Identifiers: ClinVar variation 2651099 (VCV002651099.24), dbSNP rs11350708, ClinGen allele CA916584428.
Genomic context (GRCh38, chr2:86,215,023, plus strand): 5'-CTGCTAAAGGCAATTTATTGTTTCGGCAAAAAAAAAAAAATTGCTAAGAAGCTGTGTAAG[C>CTTTT]TTTTTTTTTTTTTTTTTTTTTTTGCATTCGTTTCTGATAATTCTGGGTACTTCCAACTAA-3'